The following is an entry in ClinVar:

ClinVar aggregate classification (germline): Likely benign (1 of 4 stars; one submission).

Conditions:
HSPB8-related disorder. Also called: HSPB8-related condition.

gnomAD v4.1: 348 of 350,172 alleles (0.099%); highest among the groups gnomAD compares: Non-Finnish European, 0.16%; 12 homozygotes.

Submission:

PreventionGenetics, part of Exact Sciences
Classification: Likely benign for HSPB8-related condition. Last evaluated: 2025-05-29. Review status: criteria provided, single submitter. Criteria: ACMG Guidelines, 2015. Collection method: clinical testing. Allele origin: germline.
Comment: This variant is classified as likely benign based on ACMG/AMP sequence variant interpretation guidelines (Richards et al. 2015 PMID: 25741868, with internal and published modifications).

NM_014365.3(HSPB8):c.*863T>G

Gene: HSPB8 (heat shock protein family B (small) member 8; plus strand). Cytogenetic location: 12q24.23.
Variant type: single nucleotide variant.
Coding change: c.*863T>G on transcript NM_014365.3 (MANE Select); 863 bases downstream of the stop codon, T replaced by G.
Molecular consequence: 3 prime UTR variant.
Genome position (GRCh38, 1-based): chr12:119,194,721, T>G. VCF-style: chr12-119194721-T-G. GRCh37 (hg19) VCF-style: chr12-119632526-T-G.
Identifiers: ClinVar variation 4979870 (VCV004979870.1).